The following is an entry in ClinVar:

NM_000240.4(MAOA):c.176A>G (p.His59Arg)

Gene: MAOA (monoamine oxidase A; plus strand). Cytogenetic location: Xp11.3.
Variant type: single nucleotide variant.
Coding change: c.176A>G on transcript NM_000240.4 (MANE Select); coding-DNA position 176, A replaced by G.
Protein change: p.His59Arg; replaces histidine 59 with arginine.
Molecular consequence: missense variant. On other transcripts: 5 prime UTR variant (1).
Genome position (GRCh38, 1-based): chrX:43,693,298, A>G. VCF-style: chrX-43693298-A-G. GRCh37 (hg19) VCF-style: chrX-43552545-A-G.
Other names: c.-224A>G (NM_001270458.2); short protein forms H59R.
Identifiers: ClinVar variation 4855781 (VCV004855781.1).

ClinVar aggregate classification (germline): Uncertain significance (1 of 4 stars; one submission).

Conditions:
Brunner syndrome (BRNRS). Identifiers: Orphanet 3057, MedGen C0796275, MONDO:0010379, OMIM 300615.

Submission:

3billion
Classification: Uncertain significance for Brunner syndrome. Last evaluated: 2025-05-28. Review status: criteria provided, single submitter. Criteria: ACMG Guidelines, 2015. Collection method: clinical testing. Allele origin: germline. Affected: yes.
Comment: The variant is not observed in the gnomAD v4.1.0 dataset. Predicted Consequence/Location: Missense variant In silico tool predictions suggest no damaging effect of the variant on gene or gene product [REVEL: 0.12 (<0.4); 3Cnet: 0.01 (<0.1, specificity 0.84 and negative predicitive value 0.97)]. Therefore, this variant is classified as VUS according to the recommendation of ACMG/AMP guideline.